The following is an entry in ClinVar:

NM_003072.5(SMARCA4):c.1279del (p.Asp427fs)

Gene: SMARCA4 (SWI/SNF related BAF chromatin remodeling complex subunit ATPase 4; plus strand). Cytogenetic location: 19p13.2.
Variant type: Deletion.
Coding change: c.1279del on transcript NM_003072.5 (MANE Select); coding-DNA position 1279, one base deleted (G; older notation c.1279delG).
Protein change: p.Asp427fs; shifts the reading frame from aspartic acid 427.
Molecular consequence: frameshift variant. On other transcripts: non-coding transcript variant (1).
Genome position (GRCh38, 1-based): chr19:10,991,183, G deleted; the last of 3 consecutive G bases (chr19:10,991,181-10,991,183); deleting any one gives the same sequence. VCF-style (leftmost placement, unchanged base first): chr19-10991180-AG-A. GRCh37 (hg19) VCF-style: chr19-11101856-AG-A.
Other names: c.1279del, p.Asp427fs (NM_001128844.3, NM_001128845.2, NM_001128846.2 and 6 more transcripts); short protein forms D427fs.
Identifiers: ClinVar variation 3320710 (VCV003320710.1).

ClinVar aggregate classification (germline): Pathogenic (1 of 4 stars; one submission).

Conditions:
Hereditary cancer-predisposing syndrome. Also called: Neoplastic Syndromes, Hereditary; Tumor predisposition; Hereditary neoplastic syndrome; Hereditary Cancer Syndrome. Identifiers: Orphanet 140162, MedGen C0027672, MeSH D009386, MONDO:0015356.

Submission:

Ambry Genetics
Classification: Pathogenic for Hereditary cancer-predisposing syndrome. Last evaluated: 2024-04-18. Review status: criteria provided, single submitter. Criteria: Ambry Variant Classification Scheme 2023. Collection method: clinical testing. Allele origin: germline.
Comment: The c.1279delG pathogenic mutation, located in coding exon 7 of the SMARCA4 gene, results from a deletion of one nucleotide at nucleotide position 1279, causing a translational frameshift with a predicted alternate stop codon (p.D427Tfs*74). This alteration is expected to result in loss of function by premature protein truncation or nonsense-mediated mRNA decay. This variant has been observed in at least one individual with a personal and/or family history that is consistent with small cell carcinoma of the ovary, hypercalcemic type (Ambry internal data). This variant is considered to be rare based on population cohorts in the Genome Aggregation Database (gnomAD). Loss-of-function variants in SMARCA4 are known to cause rhabdoid tumor predisposition syndrome including small cell carcinoma of the ovary-hypercalcemic type (SCCOHT); however, such associations with neurodevelopmental disorders are exceedingly rare (Kosho T et al. Am J Med Genet C Semin Med Genet. 2014 Sep;166C(3):262-75; Jelinic P et al. Nat Genet. 2014 May;46(5):424-6). Based on the supporting evidence, this alteration is pathogenic for rhabdoid tumor predisposition syndrome; however, the association of this alteration with Coffin-Siris syndrome is unlikely.